The following is an entry in ClinVar:

NM_002693.3(POLG):c.2266-48del

Gene: POLG (DNA polymerase gamma, catalytic subunit; minus strand). Cytogenetic location: 15q26.1.
Variant type: Deletion.
Coding change: c.2266-48del on transcript NM_002693.3 (MANE Select); 48 bases into the intron before coding-DNA position 2266, one base deleted (A; older notation c.2266-48delA).
Molecular consequence: intron variant.
Genome position (GRCh38, 1-based): chr15:89,322,950, T deleted on the plus strand (A on the coding strand, the reverse complement: POLG is on the minus strand). VCF-style (leftmost placement, unchanged base first): chr15-89322949-CT-C. GRCh37 (hg19) VCF-style: chr15-89866180-CT-C.
Other names: c.2266-48del (NM_001126131.2).
Identifiers: ClinVar variation 619468 (VCV000619468.1), dbSNP rs766283304, ClinGen allele CA7724520.
Genomic context (GRCh38, chr15:89,322,949, plus strand): 5'-CAGCTATTACCATCCTGGACAGAGCAAAGGAAGCAGGGGCTGGAGGCAGGTGGCAGACCC[CT>C]GGGTGGGGAACCAACGTGAGTACCTGCACTCCTCCCAACACTGAGCCCAGAACCTCAGCA-3'

ClinVar aggregate classification (germline): Likely benign (1 of 4 stars; one submission).

Conditions:
Progressive sclerosing poliodystrophy (MTDPS4A). Also called: Alpers-Huttenlocher Syndrome (AHS); Alpers Syndrome; ALPERS PROGRESSIVE INFANTILE POLIODYSTROPHY; Mitochondrial DNA depletion syndrome 4A (Alpers type); ALPERS DIFFUSE DEGENERATION OF CEREBRAL GRAY MATTER WITH HEPATIC CIRRHOSIS; Alpers-Huttenlocher Syndrome. Identifiers: Orphanet 726, MedGen C0205710, MONDO:0008758, OMIM 203700.

Allele frequency attached by ClinVar (database versions not stated): ExAC 0.00002; gnomAD exomes 0.00003 and 0.00005; TOPMed 0.00003; gnomAD 0.00004 and 0.00005.

Submission:

Wong Mito Lab, Molecular and Human Genetics, Baylor College of Medicine
Classification: Likely benign for Progressive sclerosing poliodystrophy. Last evaluated: 2018-10-01. Review status: criteria provided, single submitter. Criteria: ACMG Guidelines, 2015. Collection method: clinical testing. Allele origin: germline.
Comment: The NM_002693.2:c.2266-48del (NP_002684.1:p.=) [GRCH38: NC_000015.10:g.89322950del] variant in POLG gene is interpretated to be a Likely Benign based on ACMG guidelines (PMID: 25741868). This variant meets the following evidence codes reported in the ACMG-guideline. BP4:Computational evidence/predictors indicate no impact on the POLG structure, function, or protein-protein interaction. BP6:Reputable source(s) without shared data suggest the variant is benign. Based on the evidence criteria codes applied, the variant is suggested to be Likely Benign.